The following is an entry in ClinVar:

ClinVar aggregate classification (germline): Uncertain significance (1 of 4 stars; one submission).

Conditions:
Inborn genetic diseases. Identifiers: MedGen C0950123, MeSH D030342.

Allele frequency attached by ClinVar (database versions not stated): TOPMed below 0.00001; gnomAD 0.00001.

Submission:

Ambry Genetics
Classification: Uncertain significance for Inborn genetic diseases. Last evaluated: 2017-11-13. Review status: criteria provided, single submitter. Criteria: Ambry Variant Classification Scheme 2023. Collection method: clinical testing. Allele origin: germline.
Comment: The p.A295T variant (also known as c.883G>A), located in coding exon 8 of the CC2D1A gene, results from a G to A substitution at nucleotide position 883. The alanine at codon 295 is replaced by threonine, an amino acid with similar properties. This amino acid position is not well conserved in available vertebrate species, and threonine is the reference amino acid in other vertebrate species. In addition, this alteration is predicted to be tolerated by in silico analysis. Since supporting evidence is limited at this time, the clinical significance of this alteration remains unclear.

NM_017721.5(CC2D1A):c.883G>A (p.Ala295Thr)

Gene: CC2D1A (coiled-coil and C2 domain containing 1A; plus strand). Cytogenetic location: 19p13.12.
Variant type: single nucleotide variant.
Coding change: c.883G>A on transcript NM_017721.5 (MANE Select); coding-DNA position 883, G replaced by A.
Protein change: p.Ala295Thr; replaces alanine 295 with threonine.
Molecular consequence: missense variant.
Genome position (GRCh38, 1-based): chr19:13,918,513, G>A. VCF-style: chr19-13918513-G-A. GRCh37 (hg19) VCF-style: chr19-14029326-G-A.
Other names: c.883G>A, p.Ala295Thr (NM_001411138.1); short protein forms A295T.
Identifiers: ClinVar variation 1764844 (VCV001764844.2), dbSNP rs1278560480, ClinGen allele CA404382063.